The following is an entry in ClinVar:

ClinVar aggregate classification (germline): Uncertain significance. Review status: criteria provided, multiple submitters, no conflicts (2 of 4 stars). 3 submissions from 3 submitters: Uncertain significance (3). Last evaluated 2026-02-03.

Conditions:
Hereditary cancer-predisposing syndrome. Also called: Neoplastic Syndromes, Hereditary; Hereditary Cancer Syndrome; Hereditary neoplastic syndrome; Tumor predisposition. Identifiers: Orphanet 140162, MedGen C0027672, MeSH D009386, MONDO:0015356.

gnomAD v4.1: 39 of 1,613,966 alleles (0.0024%); highest among the groups gnomAD compares: Middle Eastern, 0.016%; no homozygotes.

Submissions (3):

Labcorp Genetics (formerly Invitae), Labcorp
Classification: Uncertain significance. Last evaluated: 2026-02-03. Review status: criteria provided, single submitter. Criteria: Invitae Variant Classification Sherloc (09022015). Collection method: clinical testing. Allele origin: germline.
Comment: This sequence change replaces tyrosine, which is neutral and polar, with phenylalanine, which is neutral and non-polar, at codon 1813 of the POLE protein (p.Tyr1813Phe). This variant is not present in population databases (gnomAD no frequency). This variant has not been reported in the literature in individuals affected with POLE-related conditions. ClinVar contains an entry for this variant (Variation ID: 540755). Invitae Evidence Modeling of protein sequence and biophysical properties (such as structural, functional, and spatial information, amino acid conservation, physicochemical variation, residue mobility, and thermodynamic stability) indicates that this missense variant is not expected to disrupt POLE protein function with a negative predictive value of 80%. Studies have shown that this missense change is associated with inconclusive levels of altered splicing (internal data). In summary, the available evidence is currently insufficient to determine the role of this variant in disease. Therefore, it has been classified as a Variant of Uncertain Significance.

Ambry Genetics
Classification: Uncertain significance for Hereditary cancer-predisposing syndrome. Last evaluated: 2025-01-30. Review status: criteria provided, single submitter. Criteria: Ambry Variant Classification Scheme 2023. Collection method: clinical testing. Allele origin: germline.
Comment: The p.Y1813F variant (also known as c.5438A>T), located in coding exon 40 of the POLE gene, results from an A to T substitution at nucleotide position 5438. The tyrosine at codon 1813 is replaced by phenylalanine, an amino acid with highly similar properties. This amino acid position is conserved. In addition, this alteration is predicted to be tolerated by in silico analysis. Based on the available evidence, the clinical significance of this variant remains unclear.

GeneDx
Classification: Uncertain significance. Last evaluated: 2019-05-17. Review status: criteria provided, single submitter. Criteria: GeneDx Variant Classification Process June 2021. Collection method: clinical testing. Allele origin: germline. Affected: yes.
Comment: Not observed in large population cohorts (Lek et al., 2016); In silico analysis, which includes protein predictors and evolutionary conservation, supports that this variant does not alter protein structure/function; Has not been previously published as pathogenic or benign to our knowledge

NM_006231.4(POLE):c.5438A>T (p.Tyr1813Phe)

Gene: POLE (DNA polymerase epsilon, catalytic subunit; minus strand). Cytogenetic location: 12q24.33.
Variant type: single nucleotide variant.
Coding change: c.5438A>T on transcript NM_006231.4 (MANE Select); coding-DNA position 5438, A replaced by T.
Protein change: p.Tyr1813Phe; replaces tyrosine 1813 with phenylalanine.
Molecular consequence: missense variant.
Genome position (GRCh38, 1-based): chr12:132,639,239, T>A on the plus strand (A>T on the coding strand, the complement: POLE is on the minus strand). VCF-style: chr12-132639239-T-A. GRCh37 (hg19) VCF-style: chr12-133215825-T-A.
Other names: short protein forms Y1813F.
Identifiers: ClinVar variation 540755 (VCV000540755.15), dbSNP rs752559134, ClinGen allele CA246299808.